The following is an entry in ClinVar:

ClinVar aggregate classification (germline): Uncertain significance (1 of 4 stars; one submission).

Allele frequency attached by ClinVar (database versions not stated): gnomAD 0.00001.
gnomAD v4.1: 2 of 1,549,930 alleles (0.00013%); highest among the groups gnomAD compares: Non-Finnish European, 0.00017%; no homozygotes.

Submission:

Labcorp Genetics (formerly Invitae), Labcorp
Classification: Uncertain significance. Last evaluated: 2021-11-22. Review status: criteria provided, single submitter. Criteria: Invitae Variant Classification Sherloc (09022015). Collection method: clinical testing. Allele origin: germline.
Comment: This sequence change replaces proline, which is neutral and non-polar, with arginine, which is basic and polar, at codon 3722 of the ZNF469 protein (p.Pro3722Arg). This variant is not present in population databases (gnomAD no frequency). This variant has not been reported in the literature in individuals affected with ZNF469-related conditions. Algorithms developed to predict the effect of missense changes on protein structure and function are either unavailable or do not agree on the potential impact of this missense change (SIFT: "Deleterious"; PolyPhen-2: "Probably Damaging"; Align-GVGD: "Class C0"). In summary, the available evidence is currently insufficient to determine the role of this variant in disease. Therefore, it has been classified as a Variant of Uncertain Significance.

NM_001367624.2(ZNF469):c.11249C>G (p.Pro3750Arg)

Gene: ZNF469 (zinc finger protein 469; plus strand). Cytogenetic location: 16q24.2.
Variant type: single nucleotide variant.
Coding change: c.11249C>G on transcript NM_001367624.2 (MANE Select); coding-DNA position 11249, C replaced by G.
Protein change: p.Pro3750Arg; replaces proline 3750 with arginine.
Molecular consequence: missense variant.
Genome position (GRCh38, 1-based): chr16:88,438,719, C>G. VCF-style: chr16-88438719-C-G. GRCh37 (hg19) VCF-style: chr16-88505127-C-G.
Other names: short protein forms P3750R.
Identifiers: ClinVar variation 1475115 (VCV001475115.6), dbSNP rs1469917910, ClinGen allele CA397129523.